The following is an entry in ClinVar:

NM_052947.4(ALPK2):c.490T>A (p.Ser164Thr)

Gene: ALPK2 (alpha kinase 2; minus strand). Cytogenetic location: 18q21.31.
Variant type: single nucleotide variant.
Coding change: c.490T>A on transcript NM_052947.4 (MANE Select); coding-DNA position 490, T replaced by A.
Protein change: p.Ser164Thr; replaces serine 164 with threonine.
Molecular consequence: missense variant.
Genome position (GRCh38, 1-based): chr18:58,580,286, A>T on the plus strand (T>A on the coding strand, the complement: ALPK2 is on the minus strand). VCF-style: chr18-58580286-A-T. GRCh37 (hg19) VCF-style: chr18-56247518-A-T.
Other names: short protein forms S164T.
Identifiers: ClinVar variation 2449271 (VCV002449271.2), dbSNP rs2518900160, ClinGen allele CA402567862.
Genomic context (GRCh38, chr18:58,580,286, plus strand): 5'-CACTAATGTCAAGATTGCCCAATGACTGGAGGGAGAGTGAATGGTTGGATTTGGAGGGGG[A>T]GGAGTCAGCTGACCTGGGAGTGCCCGGGGAGATGCTTTCTTCTTCCTTATAAGGATGTTC-3'
Protein context (NP_443179.3, residues 154-174): SPGTPRSADS[Ser164Thr]PSKSNHSLSL

ClinVar aggregate classification (germline): Uncertain significance (1 of 4 stars; one submission).

Submission:

Ambry Genetics
Classification: Uncertain significance. Last evaluated: 2023-01-30. Review status: criteria provided, single submitter. Criteria: Ambry Variant Classification Scheme 2023. Collection method: clinical testing. Allele origin: germline.
Comment: The p.S164T variant (also known as c.490T>A), located in coding exon 3 of the ALPK2 gene, results from a T to A substitution at nucleotide position 490. The serine at codon 164 is replaced by threonine, an amino acid with similar properties. This amino acid position is conserved. In addition, this alteration is predicted to be tolerated by in silico analysis. Since supporting evidence is limited at this time, the clinical significance of this alteration remains unclear.